The following is an entry in ClinVar:

NM_002291.3(LAMB1):c.1001-10T>A

Gene: LAMB1 (laminin subunit beta 1; minus strand). Cytogenetic location: 7q31.1.
Variant type: single nucleotide variant.
Coding change: c.1001-10T>A on transcript NM_002291.3 (MANE Select); 10 bases into the intron before coding-DNA position 1001, T replaced by A.
Molecular consequence: intron variant.
Genome position (GRCh38, 1-based): chr7:107,975,887, A>T on the plus strand (T>A on the coding strand, the complement: LAMB1 is on the minus strand). VCF-style: chr7-107975887-A-T. GRCh37 (hg19) VCF-style: chr7-107616332-A-T.
Identifiers: ClinVar variation 2790103 (VCV002790103.3), dbSNP rs1179961483, ClinGen allele CA577199563.

ClinVar aggregate classification (germline): Uncertain significance (1 of 4 stars; one submission).

Allele frequency attached by ClinVar (database versions not stated): gnomAD exomes below 0.00001.
gnomAD v4.1: 1 of 1,612,134 alleles (0.000062%); highest among the groups gnomAD compares: Admixed American, 0.0017%; no homozygotes.

Submission:

Labcorp Genetics (formerly Invitae), Labcorp
Classification: Uncertain significance. Last evaluated: 2023-08-11. Review status: criteria provided, single submitter. Criteria: Invitae Variant Classification Sherloc (09022015). Collection method: clinical testing. Allele origin: germline.
Comment: In summary, the available evidence is currently insufficient to determine the role of this variant in disease. Therefore, it has been classified as a Variant of Uncertain Significance. Algorithms developed to predict the effect of sequence changes on RNA splicing suggest that this variant may disrupt the consensus splice site. This variant has not been reported in the literature in individuals affected with LAMB1-related conditions. This variant is present in population databases (no rsID available, gnomAD 0.003%). This sequence change falls in intron 9 of the LAMB1 gene. It does not directly change the encoded amino acid sequence of the LAMB1 protein.